The following is an entry in ClinVar:

NM_144999.4(LRRC45):c.296G>C (p.Arg99Pro)

Gene: LRRC45 (leucine rich repeat containing 45; plus strand). Cytogenetic location: 17q25.3.
Variant type: single nucleotide variant.
Coding change: c.296G>C on transcript NM_144999.4 (MANE Select); coding-DNA position 296, G replaced by C.
Protein change: p.Arg99Pro; replaces arginine 99 with proline.
Molecular consequence: missense variant.
Genome position (GRCh38, 1-based): chr17:82,024,706, G>C. VCF-style: chr17-82024706-G-C. GRCh37 (hg19) VCF-style: chr17-79982582-G-C.
Other names: short protein forms R99P.
Identifiers: ClinVar variation 4983219 (VCV004983219.1).

ClinVar aggregate classification (germline): Uncertain significance (1 of 4 stars; one submission).

Conditions:
LRRC45-related disorder. Also called: LRRC45-related condition.

gnomAD v4.1: 3 of 1,573,196 alleles (0.00019%); highest among the groups gnomAD compares: Non-Finnish European, 0.00026%; no homozygotes.

Submission:

PreventionGenetics, part of Exact Sciences
Classification: Uncertain significance for LRRC45-related condition. Last evaluated: 2025-01-19. Review status: criteria provided, single submitter. Criteria: ACMG Guidelines, 2015. Collection method: clinical testing. Allele origin: germline.
Comment: The LRRC45 c.296G>C variant is predicted to result in the amino acid substitution p.Arg99Pro. To our knowledge, this variant has not been reported in the literature or in a large population database (gnomAD), indicating this variant is rare. At this time, the clinical significance of this variant is uncertain due to the absence of conclusive functional and genetic evidence.